The following is an entry in ClinVar:

NM_017780.4(CHD7):c.1735C>A (p.Gln579Lys)

Genes: CHD7 (chromodomain helicase DNA binding protein 7; plus strand), LOC126860403 (CDK7 strongly-dependent group 2 enhancer GRCh37_chr8:61693034-61694233; plus strand). Cytogenetic location: 8q12.2.
Variant type: single nucleotide variant.
Coding change: c.1735C>A on transcript NM_017780.4 (MANE Select); coding-DNA position 1735, C replaced by A.
Protein change: p.Gln579Lys; replaces glutamine 579 with lysine.
Molecular consequence: missense variant. On other transcripts: intron variant (1).
Genome position (GRCh38, 1-based): chr8:60,781,069, C>A. VCF-style: chr8-60781069-C-A. GRCh37 (hg19) VCF-style: chr8-61693628-C-A.
Other names: c.1716+19C>A (NM_001316690.1); short protein forms Q579K.
Identifiers: ClinVar variation 1507045 (VCV001507045.8), dbSNP rs780953224, ClinGen allele CA371311643.

ClinVar aggregate classification (germline): Uncertain significance (1 of 4 stars; one submission).

Conditions:
CHARGE syndrome (CHARGE). Also called: Coloboma, heart anomaly, choanal atresia, retardation, genital and ear anomalies; CHARGE association; Hall-Hittner syndrome; Hittner Hirsch Kreh syndrome; CHARGE ASSOCIATION--COLOBOMA, HEART ANOMALY, CHOANAL ATRESIA, RETARDATION, GENITAL AND EAR ANOMALIES. Identifiers: Orphanet 138, MedGen C0265354, MONDO:0008965.

gnomAD v4.1: 1 of 1,610,000 alleles (0.000062%); highest among the groups gnomAD compares: Non-Finnish European, 0.000085%; no homozygotes.

Submission:

Labcorp Genetics (formerly Invitae), Labcorp
Classification: Uncertain significance for CHARGE syndrome. Last evaluated: 2020-12-09. Review status: criteria provided, single submitter. Criteria: Invitae Variant Classification Sherloc (09022015). Collection method: clinical testing. Allele origin: germline.
Comment: In summary, the available evidence is currently insufficient to determine the role of this variant in disease. Therefore, it has been classified as a Variant of Uncertain Significance. Advanced modeling of protein sequence and biophysical properties (such as structural, functional, and spatial information, amino acid conservation, physicochemical variation, residue mobility, and thermodynamic stability) performed at Invitae indicates that this missense variant is not expected to disrupt CHD7 protein function. This variant has not been reported in the literature in individuals with CHD7-related conditions. This variant is not present in population databases (ExAC no frequency). This sequence change replaces glutamine with lysine at codon 579 of the CHD7 protein (p.Gln579Lys). The glutamine residue is highly conserved and there is a small physicochemical difference between glutamine and lysine.